The following is an entry in ClinVar:

ClinVar aggregate classification (germline): Likely pathogenic (1 of 4 stars; one submission).

Conditions:
CDH23-related disorder. Also called: CDH23-related condition; CDH23-related disorders.

Allele frequency attached by ClinVar (database versions not stated): TOPMed below 0.00001.

Submission:

PreventionGenetics, part of Exact Sciences
Classification: Likely pathogenic for CDH23-related condition. Last evaluated: 2023-01-09. Review status: criteria provided, single submitter. Criteria: ACMG Guidelines, 2015. Collection method: clinical testing. Allele origin: germline.
Comment: The CDH23 c.1950delT variant is predicted to result in a frameshift and premature protein termination (p.Pro650Profs*44). To our knowledge, this variant has not been reported in the literature or in a large population database, indicating this variant is rare. Frameshift variants in CDH23 are expected to be pathogenic. This variant is interpreted as likely pathogenic.

NM_022124.6(CDH23):c.1950del (p.Leu651fs)

Gene: CDH23 (cadherin related 23; plus strand). Cytogenetic location: 10q22.1.
Variant type: Deletion.
Coding change: c.1950del on transcript NM_022124.6 (MANE Select); coding-DNA position 1950, one base deleted (T; older notation c.1950delT).
Protein change: p.Leu651fs; shifts the reading frame from leucine 651.
Molecular consequence: frameshift variant.
Genome position (GRCh38, 1-based): chr10:71,682,536, T deleted. VCF-style (leftmost placement, unchanged base first): chr10-71682535-CT-C. GRCh37 (hg19) VCF-style: chr10-73442292-CT-C.
Other names: c.1950del, p.Leu651fs (NM_001171930.2, NM_001171931.2); short protein forms L651fs.
Identifiers: ClinVar variation 2634376 (VCV002634376.1), dbSNP rs1864697430, ClinGen allele CA1918823979.